The following is an entry in ClinVar:

ClinVar aggregate classification (germline): Likely benign (1 of 4 stars; one submission).

Conditions:
BBS4-related disorder. Also called: BBS4-related condition.

Submission:

PreventionGenetics, part of Exact Sciences
Classification: Likely benign for BBS4-related condition. Last evaluated: 2025-07-10. Review status: criteria provided, single submitter. Criteria: ACMG Guidelines, 2015. Collection method: clinical testing. Allele origin: germline.
Comment: This variant is classified as likely benign based on ACMG/AMP sequence variant interpretation guidelines (Richards et al. 2015 PMID: 25741868, with internal and published modifications).

NM_033028.5(BBS4):c.587+7G>A

Gene: BBS4 (Bardet-Biedl syndrome 4; plus strand). Cytogenetic location: 15q24.1.
Variant type: single nucleotide variant.
Coding change: c.587+7G>A on transcript NM_033028.5 (MANE Select); 7 bases into the intron after coding-DNA position 587, G replaced by A.
Molecular consequence: intron variant.
Genome position (GRCh38, 1-based): chr15:72,724,662, G>A. VCF-style: chr15-72724662-G-A. GRCh37 (hg19) VCF-style: chr15-73017003-G-A.
Other names: c.587+7G>A (NM_001320665.2); c.71+7G>A (NM_001252678.2).
Identifiers: ClinVar variation 4984739 (VCV004984739.1).